The following is an entry in ClinVar:

ClinVar aggregate classification (germline): Uncertain significance. Review status: criteria provided, multiple submitters, no conflicts (2 of 4 stars). 5 submissions from 5 submitters: Uncertain significance (5). Last evaluated 2024-12-31.

Conditions:
TRIM32-related disorder. Also called: TRIM32-related condition.
Sarcotubular myopathy (LGMDR8). Also called: Limb-girdle muscular dystrophy, type 2H; MUSCULAR DYSTROPHY, LIMB-GIRDLE, AUTOSOMAL RECESSIVE 8; Autosomal recessive limb-girdle muscular dystrophy type 2H; Hutterite type of muscular dystrophy. Identifiers: Orphanet 1878, MedGen C0270968, MONDO:0009683, OMIM 254110.
Bardet-Biedl syndrome (BBS). Identifiers: Orphanet 110, MedGen C0752166, MONDO:0015229.

Allele frequency attached by ClinVar (database versions not stated): gnomAD 0.00002; gnomAD exomes 0.00003 and 0.00006; TOPMed 0.00004.
gnomAD v4.1: 86 of 1,614,086 alleles (0.0053%); highest among the groups gnomAD compares: Non-Finnish European, 0.0069%; no homozygotes.

Submissions (5):

PreventionGenetics, part of Exact Sciences
Classification: Uncertain significance for TRIM32-related condition. Last evaluated: 2024-12-31. Review status: criteria provided, single submitter. Criteria: ACMG Guidelines, 2015. Collection method: clinical testing. Allele origin: germline.
Comment: The TRIM32 c.1838G>A variant is predicted to result in the amino acid substitution p.Arg613Gln. This variant was reported in two individuals with a mean BMI >40 (described in Table S1 at position chr9:116699580 based on the hg38 genome build, Day et al. 2021. PubMed ID: 33616283). This variant is reported in 0.0062% of alleles in individuals of European (Non-Finnish) descent in gnomAD. At this time, the clinical significance of this variant is uncertain due to the absence of conclusive functional and genetic evidence.

Blueprint Genetics
Classification: Uncertain significance. Last evaluated: 2023-03-20. Review status: criteria provided, single submitter. Criteria: ACMG Guidelines, 2015. Collection method: clinical testing. Allele origin: germline.

New York Genome Center
Classification: Uncertain significance for Sarcotubular myopathy. Last evaluated: 2022-07-01. Review status: criteria provided, single submitter. Criteria: NYGC Assertion Criteria 2020. Collection method: clinical testing. Allele origin: germline. Observed: 1 heterozygote.

Labcorp Genetics (formerly Invitae), Labcorp
Classification: Uncertain significance for Bardet-Biedl syndrome. Last evaluated: 2022-06-20. Review status: criteria provided, single submitter. Criteria: Invitae Variant Classification Sherloc (09022015). Collection method: clinical testing. Allele origin: germline.
Comment: This sequence change replaces arginine, which is basic and polar, with glutamine, which is neutral and polar, at codon 613 of the TRIM32 protein (p.Arg613Gln). This variant is present in population databases (rs199704873, gnomAD 0.006%). This variant has not been reported in the literature in individuals affected with TRIM32-related conditions. ClinVar contains an entry for this variant (Variation ID: 285576). Algorithms developed to predict the effect of missense changes on protein structure and function (SIFT, PolyPhen-2, Align-GVGD) all suggest that this variant is likely to be tolerated. In summary, the available evidence is currently insufficient to determine the role of this variant in disease. Therefore, it has been classified as a Variant of Uncertain Significance.

Eurofins Ntd Llc (ga)
Classification: Uncertain significance. Last evaluated: 2016-01-23. Review status: criteria provided, single submitter. Criteria: EGL Classification Definitions 2015. Collection method: clinical testing. Allele origin: germline. Observed: 1 variant allele, 1 heterozygote.

NM_012210.4(TRIM32):c.1838G>A (p.Arg613Gln)

Genes: ASTN2 (astrotactin 2; minus strand), TRIM32 (tripartite motif containing 32; plus strand). Cytogenetic location: 9q33.1.
Variant type: single nucleotide variant.
Coding change: c.1838G>A on transcript NM_012210.4 (MANE Select); coding-DNA position 1838, G replaced by A.
Protein change: p.Arg613Gln; replaces arginine 613 with glutamine.
Molecular consequence: missense variant. On other transcripts: intron variant (3).
Genome position (GRCh38, 1-based): chr9:116,699,580, G>A. VCF-style: chr9-116699580-G-A. GRCh37 (hg19) VCF-style: chr9-119461859-G-A.
Other names: c.1838G>A, p.Arg613Gln (NM_001099679.2, NM_001379048.1, NM_001379049.1 and 1 more transcripts); c.2653+26191C>T (NM_014010.5); c.2794+26191C>T (NM_001365069.1); c.2806+26191C>T (NM_001365068.1); short protein forms R613Q.
Identifiers: ClinVar variation 285576 (VCV000285576.15), dbSNP rs199704873, ClinGen allele CA10605164.